The following is an entry in ClinVar:

NM_032806.6(POMGNT2):c.209C>T (p.Thr70Met)

Gene: POMGNT2 (protein O-linked mannose N-acetylglucosaminyltransferase 2 (beta 1,4-); minus strand). Cytogenetic location: 3p22.1.
Variant type: single nucleotide variant.
Coding change: c.209C>T on transcript NM_032806.6 (MANE Select); coding-DNA position 209, C replaced by T.
Protein change: p.Thr70Met; replaces threonine 70 with methionine.
Molecular consequence: missense variant.
Genome position (GRCh38, 1-based): chr3:43,081,223, G>A on the plus strand (C>T on the coding strand, the complement: POMGNT2 is on the minus strand). VCF-style: chr3-43081223-G-A. GRCh37 (hg19) VCF-style: chr3-43122715-G-A.
Other names: short protein forms T70M.
Identifiers: ClinVar variation 1925128 (VCV001925128.2), dbSNP rs752449605, ClinGen allele CA2340134.

ClinVar aggregate classification (germline): Uncertain significance (1 of 4 stars; one submission).

Conditions:
Muscular dystrophy-dystroglycanopathy (congenital with brain and eye anomalies), type a, 8 (MDDGA8). Also called: WALKER-WARBURG SYNDROME OR MUSCLE-EYE-BRAIN DISEASE, GTDC2-RELATED. Identifiers: Orphanet 899, MedGen C3553813, MONDO:0013904, OMIM 614830.

Allele frequency attached by ClinVar (database versions not stated): ExAC 0.00001; gnomAD 0.00001; gnomAD exomes 0.00001; TOPMed 0.00001.
gnomAD v4.1: 12 of 1,613,778 alleles (0.00074%); highest among the groups gnomAD compares: South Asian, 0.0011%; no homozygotes.

Submission:

Labcorp Genetics (formerly Invitae), Labcorp
Classification: Uncertain significance for Muscular dystrophy-dystroglycanopathy (congenital with brain and eye anomalies), type a, 8. Last evaluated: 2022-09-17. Review status: criteria provided, single submitter. Criteria: Invitae Variant Classification Sherloc (09022015). Collection method: clinical testing. Allele origin: germline.
Comment: This sequence change replaces threonine, which is neutral and polar, with methionine, which is neutral and non-polar, at codon 70 of the POMGNT2 protein (p.Thr70Met). This variant is present in population databases (rs752449605, gnomAD 0.0009%). This variant has not been reported in the literature in individuals affected with POMGNT2-related conditions. Advanced modeling of protein sequence and biophysical properties (such as structural, functional, and spatial information, amino acid conservation, physicochemical variation, residue mobility, and thermodynamic stability) performed at Invitae indicates that this missense variant is not expected to disrupt POMGNT2 protein function. In summary, the available evidence is currently insufficient to determine the role of this variant in disease. Therefore, it has been classified as a Variant of Uncertain Significance.